The following is an entry in ClinVar:

NM_004958.4(MTOR):c.4609C>T (p.Pro1537Ser)

Genes: MTOR (mechanistic target of rapamycin kinase; minus strand), MTOR-AS1 (MTOR antisense RNA 1; plus strand). Cytogenetic location: 1p36.22.
Variant type: single nucleotide variant.
Coding change: c.4609C>T on transcript NM_004958.4 (MANE Select); coding-DNA position 4609, C replaced by T.
Protein change: p.Pro1537Ser; replaces proline 1537 with serine.
Molecular consequence: missense variant.
Genome position (GRCh38, 1-based): chr1:11,146,753, G>A on the plus strand (C>T on the coding strand, the complement: MTOR is on the minus strand). VCF-style: chr1-11146753-G-A. GRCh37 (hg19) VCF-style: chr1-11206810-G-A.
Other names: c.4609C>T, p.Pro1537Ser (NM_001386500.1); c.3361C>T, p.Pro1121Ser (NM_001386501.1); short protein forms P1121S, P1537S.
Identifiers: ClinVar variation 3633487 (VCV003633487.2).

ClinVar aggregate classification (germline): Uncertain significance (1 of 4 stars; one submission).

Submission:

Labcorp Genetics (formerly Invitae), Labcorp
Classification: Uncertain significance. Last evaluated: 2024-04-16. Review status: criteria provided, single submitter. Criteria: Invitae Variant Classification Sherloc (09022015). Collection method: clinical testing. Allele origin: germline.
Comment: This sequence change replaces proline, which is neutral and non-polar, with serine, which is neutral and polar, at codon 1537 of the MTOR protein (p.Pro1537Ser). This variant is not present in population databases (gnomAD no frequency). This variant has not been reported in the literature in individuals affected with MTOR-related conditions. Advanced modeling of protein sequence and biophysical properties (such as structural, functional, and spatial information, amino acid conservation, physicochemical variation, residue mobility, and thermodynamic stability) performed at Invitae indicates that this missense variant is not expected to disrupt MTOR protein function with a negative predictive value of 95%. In summary, the available evidence is currently insufficient to determine the role of this variant in disease. Therefore, it has been classified as a Variant of Uncertain Significance.